The following is an entry in ClinVar:

NM_203447.4(DOCK8):c.2591A>T (p.Asp864Val)

Gene: DOCK8 (dedicator of cytokinesis 8; plus strand). Cytogenetic location: 9p24.3.
Variant type: single nucleotide variant.
Coding change: c.2591A>T on transcript NM_203447.4 (MANE Select); coding-DNA position 2591, A replaced by T.
Protein change: p.Asp864Val; replaces aspartic acid 864 with valine.
Molecular consequence: missense variant.
Genome position (GRCh38, 1-based): chr9:379,921, A>T. VCF-style: chr9-379921-A-T. GRCh37 (hg19) VCF-style: chr9-379921-A-T.
Other names: c.2387A>T, p.Asp796Val (NM_001190458.2, NM_001193536.2); short protein forms D796V, D864V.
Identifiers: ClinVar variation 4737945 (VCV004737945.1).

ClinVar aggregate classification (germline): Uncertain significance (1 of 4 stars; one submission).

Conditions:
Combined immunodeficiency due to DOCK8 deficiency (HIES2). Also called: HYPER-IgE SYNDROME 2, AUTOSOMAL RECESSIVE, WITH RECURRENT INFECTIONS; HIES autosomal recessive; Hyper-IgE recurrent infection syndrome, autosomal recessive; HYPER-IgE RECURRENT INFECTION SYNDROME 2, AUTOSOMAL RECESSIVE; DOCK8 Deficiency. Identifiers: Orphanet 217390, MedGen C4722305, MONDO:0009478, OMIM 243700.

Submission:

Labcorp Genetics (formerly Invitae), Labcorp
Classification: Uncertain significance for Combined immunodeficiency due to DOCK8 deficiency. Last evaluated: 2025-06-18. Review status: criteria provided, single submitter. Criteria: Invitae Variant Classification Sherloc (09022015). Collection method: clinical testing. Allele origin: germline.
Comment: This sequence change replaces aspartic acid, which is acidic and polar, with valine, which is neutral and non-polar, at codon 864 of the DOCK8 protein (p.Asp864Val). This variant is not present in population databases (gnomAD no frequency). This variant has not been reported in the literature in individuals affected with DOCK8-related conditions. Invitae Evidence Modeling of protein sequence and biophysical properties (such as structural, functional, and spatial information, amino acid conservation, physicochemical variation, residue mobility, and thermodynamic stability) indicates that this missense variant is not expected to disrupt DOCK8 protein function with a negative predictive value of 80%. In summary, the available evidence is currently insufficient to determine the role of this variant in disease. Therefore, it has been classified as a Variant of Uncertain Significance.